The following is an entry in ClinVar:

ClinVar aggregate classification (germline): Uncertain significance. Review status: criteria provided, multiple submitters, no conflicts (2 of 4 stars). 2 submissions from 2 submitters: Uncertain significance (2). Last evaluated 2023-04-18.

Conditions:
Inborn genetic diseases. Identifiers: MedGen C0950123, MeSH D030342.

Allele frequency attached by ClinVar (database versions not stated): gnomAD 0.00001; gnomAD exomes 0.00001; TOPMed 0.00001; ExAC 0.00002.
gnomAD v4.1: 22 of 1,613,934 alleles (0.0014%); highest among the groups gnomAD compares: Admixed American, 0.005%; no homozygotes.

Submissions (2):

Ambry Genetics
Classification: Uncertain significance for Inborn genetic diseases. Last evaluated: 2023-04-18. Review status: criteria provided, single submitter. Criteria: Ambry Variant Classification Scheme 2023. Collection method: clinical testing. Allele origin: germline.

Labcorp Genetics (formerly Invitae), Labcorp
Classification: Uncertain significance. Last evaluated: 2022-01-22. Review status: criteria provided, single submitter. Criteria: Invitae Variant Classification Sherloc (09022015). Collection method: clinical testing. Allele origin: germline.
Comment: This sequence change replaces arginine, which is basic and polar, with histidine, which is basic and polar, at codon 451 of the RARS2 protein (p.Arg451His). This variant is present in population databases (rs374214191, gnomAD 0.006%). This variant has not been reported in the literature in individuals affected with RARS2-related conditions. Advanced modeling of protein sequence and biophysical properties (such as structural, functional, and spatial information, amino acid conservation, physicochemical variation, residue mobility, and thermodynamic stability) performed at Invitae indicates that this missense variant is expected to disrupt RARS2 protein function. In summary, the available evidence is currently insufficient to determine the role of this variant in disease. Therefore, it has been classified as a Variant of Uncertain Significance.

NM_020320.5(RARS2):c.1352G>A (p.Arg451His)

Gene: RARS2 (arginyl-tRNA synthetase 2, mitochondrial; minus strand). Cytogenetic location: 6q15.
Variant type: single nucleotide variant.
Coding change: c.1352G>A on transcript NM_020320.5 (MANE Select); coding-DNA position 1352, G replaced by A.
Protein change: p.Arg451His; replaces arginine 451 with histidine.
Molecular consequence: missense variant. On other transcripts: non-coding transcript variant (23).
Genome position (GRCh38, 1-based): chr6:87,518,693, C>T on the plus strand (G>A on the coding strand, the complement: RARS2 is on the minus strand). VCF-style: chr6-87518693-C-T. GRCh37 (hg19) VCF-style: chr6-88228411-C-T.
Other names: c.827G>A, p.Arg276His (NM_001318785.2, NM_001350506.2, NM_001350507.2 and 4 more transcripts); c.1352G>A, p.Arg451His (NM_001350505.2); c.1352G>A (NM_020320.3); short protein forms R276H, R451H.
Identifiers: ClinVar variation 2184156 (VCV002184156.3), dbSNP rs374214191, ClinGen allele CA3916310.